The following is an entry in ClinVar:

ClinVar aggregate classification (germline): Benign. Review status: criteria provided, multiple submitters, no conflicts (2 of 4 stars). 3 submissions from 3 submitters: Benign (3). Last evaluated 2018-06-29.

Conditions:
MGAT2-congenital disorder of glycosylation. Also called: MENTAL RETARDATION, GROWTH RETARDATION, PROMINENT COLUMELLA, AND OPEN MOUTH; Alkuraya syndrome; CDG IIa; MGAT2-CDG; Congenital disorder of glycosylation, type IIa. Identifiers: Orphanet 79329, MedGen C2931008, MONDO:0008908, OMIM 212066.

Allele frequency attached by ClinVar (database versions not stated): 1000 Genomes Project 30x 0.29263; 1000 Genomes Project 0.29533; TOPMed 0.36324; gnomAD 0.39580 and 0.39674; gnomAD exomes 0.42688 and 0.47951; ExAC 0.49350.

Submissions (3):

GeneDx
Classification: Benign. Last evaluated: 2018-06-29. Review status: criteria provided, single submitter. Criteria: GeneDx Variant Classification Process June 2021. Collection method: clinical testing. Allele origin: germline. Affected: yes.

Illumina Laboratory Services, Illumina
Classification: Benign for MGAT2-congenital disorder of glycosylation. Last evaluated: 2018-01-12. Review status: criteria provided, single submitter. Criteria: ICSL Variant Classification Criteria 13 December 2019. Collection method: clinical testing. Allele origin: germline.
Comment: This variant was observed in the ICSL laboratory as part of a predisposition screen in an ostensibly healthy population. It had not been previously curated by ICSL or reported in the Human Gene Mutation Database (HGMD: prior to June 1st, 2018), and was therefore a candidate for classification through an automated scoring system. Utilizing variant allele frequency, disease prevalence and penetrance estimates, and inheritance mode, an automated score was calculated to assess if this variant is too frequent to cause the disease. Based on the score and internal cut-off values, a variant classified as benign is not then subjected to further curation. The score for this variant resulted in a classification of benign for this disease.

Breakthrough Genomics
Classification: Benign. Review status: criteria provided, single submitter. Criteria: ACMG Guidelines, 2015. Collection method: not provided. Allele origin: germline. Inheritance: Autosomal recessive inheritance. Affected: yes.

NM_002408.4(MGAT2):c.-234T>C

Gene: MGAT2 (alpha-1,6-mannosyl-glycoprotein 2-beta-N-acetylglucosaminyltransferase; plus strand). Cytogenetic location: 14q21.3.
Variant type: single nucleotide variant.
Coding change: c.-234T>C on transcript NM_002408.4 (MANE Select); 234 bases upstream of the start codon, T replaced by C.
Molecular consequence: 5 prime UTR variant.
Genome position (GRCh38, 1-based): chr14:49,621,035, T>C. VCF-style: chr14-49621035-T-C. GRCh37 (hg19) VCF-style: chr14-50087753-T-C.
Identifiers: ClinVar variation 313249 (VCV000313249.9), dbSNP rs7519, ClinGen allele CA7172434.
Genomic context (GRCh38, chr14:49,621,035, plus strand): 5'-TGGTGCTGAATGGAGAGGACGGAGACGAAGCCGAGCCGCGGCTCCTAGCGGCGGCGCCGA[T>C]GCTCGAGCTGTAGCTGCCAGGCGAGGATGTGTGGAGCGCAGGCGGCGCGGGGTAAATGAG-3'